The following is an entry in ClinVar:

NM_001084.5(PLOD3):c.740C>T (p.Thr247Met)

Gene: PLOD3 (procollagen-lysine,2-oxoglutarate 5-dioxygenase 3; minus strand). Cytogenetic location: 7q22.1.
Variant type: single nucleotide variant.
Coding change: c.740C>T on transcript NM_001084.5 (MANE Select); coding-DNA position 740, C replaced by T.
Protein change: p.Thr247Met; replaces threonine 247 with methionine.
Molecular consequence: missense variant.
Genome position (GRCh38, 1-based): chr7:101,213,144, G>A on the plus strand (C>T on the coding strand, the complement: PLOD3 is on the minus strand). VCF-style: chr7-101213144-G-A. GRCh37 (hg19) VCF-style: chr7-100856425-G-A.
Other names: short protein forms T247M.
Identifiers: ClinVar variation 776249 (VCV000776249.11), dbSNP rs144851657, ClinGen allele CA4408044.

ClinVar aggregate classification (germline): Conflicting classifications of pathogenicity. Review status: criteria provided, conflicting classifications (1 of 4 stars). 2 submissions from 2 submitters: Uncertain significance (1); Likely benign (1). Last evaluated 2025-07-30.

Allele frequency attached by ClinVar (database versions not stated): ESP Exome Variant Server 0.00031; TOPMed 0.00084; gnomAD 0.00086 and 0.00093; 1000 Genomes Project 0.00120; 1000 Genomes Project 30x 0.00125.
gnomAD v4.1: 247 of 1,613,620 alleles (0.015%); highest among the groups gnomAD compares: African/African-American, 0.27%; no homozygotes.

Submissions (2):

Labcorp Genetics (formerly Invitae), Labcorp
Classification: Likely benign. Last evaluated: 2025-07-30. Review status: criteria provided, single submitter. Criteria: Invitae Variant Classification Sherloc (09022015). Collection method: clinical testing. Allele origin: germline.

GeneDx
Classification: Uncertain significance. Last evaluated: 2025-01-25. Review status: criteria provided, single submitter. Criteria: GeneDx Variant Classification Process June 2021. Collection method: clinical testing. Allele origin: germline. Affected: yes.
Comment: In silico analysis supports that this missense variant has a deleterious effect on protein structure/function; Has not been previously published as pathogenic or benign to our knowledge